The following is an entry in ClinVar:

NM_000020.3(ACVRL1):c.1192A>T (p.Ile398Phe)

Gene: ACVRL1 (activin A receptor like type 1; plus strand). Cytogenetic location: 12q13.13.
Variant type: single nucleotide variant.
Coding change: c.1192A>T on transcript NM_000020.3 (MANE Select); coding-DNA position 1192, A replaced by T.
Protein change: p.Ile398Phe; replaces isoleucine 398 with phenylalanine.
Molecular consequence: missense variant.
Genome position (GRCh38, 1-based): chr12:51,916,179, A>T. VCF-style: chr12-51916179-A-T. GRCh37 (hg19) VCF-style: chr12-52309963-A-T.
Other names: c.1192A>T, p.Ile398Phe (NM_001077401.2, NM_001406487.1, NM_001406488.1 and 1 more transcripts); c.880A>T, p.Ile294Phe (NM_001406490.1, NM_001406491.1, NM_001406492.1 and 1 more transcripts); c.628A>T, p.Ile210Phe (NM_001406495.1); short protein forms I210F, I398F, I294F.
Identifiers: ClinVar variation 1745221 (VCV001745221.3), dbSNP rs758384953, ClinGen allele CA384902870.

ClinVar aggregate classification (germline): Conflicting classifications of pathogenicity. Review status: criteria provided, conflicting classifications (1 of 4 stars). 2 submissions from 2 submitters: Pathogenic (1); Uncertain significance (1). Last evaluated 2025-12-06.

Conditions:
Telangiectasia, hereditary hemorrhagic, type 2 (HHT2). Also called: ACVRL1-Related Hereditary Hemorrhagic Telangiectasia; Telangiectasia, hereditary hemorrhagic, type II. Identifiers: Orphanet 774, MedGen C1838163, MONDO:0010880, OMIM 600376. Disease mechanism: loss of function.
Cardiovascular phenotype. Identifiers: MedGen CN230736.

Submissions (2):

Labcorp Genetics (formerly Invitae), Labcorp
Classification: Pathogenic for Telangiectasia, hereditary hemorrhagic, type 2. Last evaluated: 2025-12-06. Review status: criteria provided, single submitter. Criteria: Invitae Variant Classification Sherloc (09022015). Collection method: clinical testing. Allele origin: germline.
Comment: This sequence change replaces isoleucine, which is neutral and non-polar, with phenylalanine, which is neutral and non-polar, at codon 398 of the ACVRL1 protein (p.Ile398Phe). This variant is not present in population databases (gnomAD no frequency). This missense change has been observed in individual(s) with hereditary hemorrhagic telangiectasia (internal data). ClinVar contains an entry for this variant (Variation ID: 1745221). Invitae Evidence Modeling of protein sequence and biophysical properties (such as structural, functional, and spatial information, amino acid conservation, physicochemical variation, residue mobility, and thermodynamic stability) indicates that this missense variant is expected to disrupt ACVRL1 protein function with a positive predictive value of 95%. This variant disrupts the p.Ile398 amino acid residue in ACVRL1. Other variant(s) that disrupt this residue have been determined to be pathogenic (PMID: 11170071). This suggests that this residue is clinically significant, and that variants that disrupt this residue are likely to be disease-causing. For these reasons, this variant has been classified as Pathogenic.

Ambry Genetics
Classification: Uncertain significance for Cardiovascular phenotype. Last evaluated: 2016-10-06. Review status: criteria provided, single submitter. Criteria: Ambry Variant Classification Scheme 2023. Collection method: clinical testing. Allele origin: germline.
Comment: The p.I398F variant (also known as c.1192A>T), located in coding exon 7 of the ACVRL1 gene, results from an A to T substitution at nucleotide position 1192. The isoleucine at codon 398 is replaced by phenylalanine, an amino acid with highly similar properties. This variant was not reported in population based cohorts in the following databases: Database of Single Nucleotide Polymorphisms (dbSNP), NHLBI Exome Sequencing Project (ESP), and 1000 Genomes Project. In the ESP, this variant was not observed in 6503 samples (13006 alleles) with coverage at this position. This amino acid position is well conserved in available vertebrate species. In addition, this alteration is predicted to be deleterious by in silico analysis. Based on available evidence to date, the clinical significance of this variant remains unclear.

Literature cited by the submitters: PubMed 11170071 (cited by Labcorp Genetics (formerly Invitae), Labcorp).